The following is an entry in ClinVar:

NM_001621.5(AHR):c.908A>G (p.Lys303Arg)

Gene: AHR (aryl hydrocarbon receptor; plus strand). Cytogenetic location: 7p21.1.
Variant type: single nucleotide variant.
Coding change: c.908A>G on transcript NM_001621.5 (MANE Select); coding-DNA position 908, A replaced by G.
Protein change: p.Lys303Arg; replaces lysine 303 with arginine.
Molecular consequence: missense variant.
Genome position (GRCh38, 1-based): chr7:17,334,114, A>G. VCF-style: chr7-17334114-A-G. GRCh37 (hg19) VCF-style: chr7-17373738-A-G.
Other names: short protein forms K303R.
Identifiers: ClinVar variation 957328 (VCV000957328.7), dbSNP rs765898500, ClinGen allele CA4171957.

ClinVar aggregate classification (germline): Uncertain significance (1 of 4 stars; one submission).

Allele frequency attached by ClinVar (database versions not stated): gnomAD 0.00001; TOPMed 0.00001; gnomAD exomes 0.00002 and 0.00005; ExAC 0.00006.
gnomAD v4.1: 27 of 1,610,126 alleles (0.0017%); highest among the groups gnomAD compares: East Asian, 0.029%; no homozygotes.

Submission:

Labcorp Genetics (formerly Invitae), Labcorp
Classification: Uncertain significance. Last evaluated: 2023-08-10. Review status: criteria provided, single submitter. Criteria: Invitae Variant Classification Sherloc (09022015). Collection method: clinical testing. Allele origin: germline.
Comment: In summary, the available evidence is currently insufficient to determine the role of this variant in disease. Therefore, it has been classified as a Variant of Uncertain Significance. An algorithm developed to predict the effect of missense changes on protein structure and function (PolyPhen-2) suggests that this variant¬†is likely to be tolerated. ClinVar contains an entry for this variant (Variation ID: 957328). This variant has not been reported in the literature in individuals affected with AHR-related conditions. This variant is present in population databases (rs765898500, gnomAD 0.05%). This sequence change replaces lysine, which is basic and polar, with arginine, which is basic and polar, at codon 303 of the AHR protein (p.Lys303Arg).